The following is an entry in ClinVar:

NM_004855.5(PIGB):c.654-3T>C

Gene: PIGB (phosphatidylinositol glycan anchor biosynthesis class B; plus strand). Cytogenetic location: 15q21.3.
Variant type: single nucleotide variant.
Coding change: c.654-3T>C on transcript NM_004855.5 (MANE Select); 3 bases into the intron before coding-DNA position 654, T replaced by C.
Molecular consequence: intron variant.
Genome position (GRCh38, 1-based): chr15:55,333,864, T>C. VCF-style: chr15-55333864-T-C. GRCh37 (hg19) VCF-style: chr15-55626062-T-C.
Identifiers: ClinVar variation 2173048 (VCV002173048.1), dbSNP rs759925084, ClinGen allele CA7573898.

ClinVar aggregate classification (germline): Uncertain significance (1 of 4 stars; one submission).

Allele frequency attached by ClinVar (database versions not stated): ExAC 0.00003; gnomAD 0.00003; gnomAD exomes 0.00003; TOPMed 0.00003.
gnomAD v4.1: 45 of 1,567,780 alleles (0.0029%); highest among the groups gnomAD compares: East Asian, 0.0047%; no homozygotes.

Submission:

Labcorp Genetics (formerly Invitae), Labcorp
Classification: Uncertain significance. Last evaluated: 2021-12-13. Review status: criteria provided, single submitter. Criteria: Invitae Variant Classification Sherloc (09022015). Collection method: clinical testing. Allele origin: germline.
Comment: This sequence change falls in intron 5 of the PIGB gene. It does not directly change the encoded amino acid sequence of the PIGB protein. It affects a nucleotide within the consensus splice site. This variant is present in population databases (rs759925084, gnomAD 0.002%). This variant has not been reported in the literature in individuals affected with PIGB-related conditions. Variants that disrupt the consensus splice site are a relatively common cause of aberrant splicing (PMID: 17576681, 9536098). Algorithms developed to predict the effect of sequence changes on RNA splicing suggest that this variant is not likely to affect RNA splicing. In summary, the available evidence is currently insufficient to determine the role of this variant in disease. Therefore, it has been classified as a Variant of Uncertain Significance.

Literature cited by the submitters: PubMed 17576681; PubMed 9536098.